The following is an entry in ClinVar:

ClinVar aggregate classification (germline): Pathogenic (1 of 4 stars; one submission).

Conditions:
Hereditary cancer-predisposing syndrome. Also called: Neoplastic Syndromes, Hereditary; Hereditary Cancer Syndrome; Hereditary neoplastic syndrome; Tumor predisposition. Identifiers: Orphanet 140162, MedGen C0027672, MeSH D009386, MONDO:0015356.

Submission:

Ambry Genetics
Classification: Pathogenic for Hereditary cancer-predisposing syndrome. Last evaluated: 2023-04-07. Review status: criteria provided, single submitter. Criteria: Ambry Variant Classification Scheme 2023. Collection method: clinical testing. Allele origin: germline.
Comment: The c.3934_3935delAA pathogenic mutation, located in coding exon 10 of the BRCA2 gene, results from a deletion of two nucleotides at nucleotide positions 3934 to 3935, causing a translational frameshift with a predicted alternate stop codon (p.N1312Lfs*6). This alteration is expected to result in loss of function by premature protein truncation or nonsense-mediated mRNA decay. This variant is considered to be rare based on population cohorts in the Genome Aggregation Database (gnomAD). As such, this alteration is interpreted as a disease-causing mutation.

NM_000059.4(BRCA2):c.3934_3935del (p.Asn1312fs)

Gene: BRCA2 (BRCA2 DNA repair associated; plus strand). Cytogenetic location: 13q13.1.
Variant type: Deletion.
Coding change: c.3934_3935del on transcript NM_000059.4 (MANE Select); coding-DNA positions 3934 to 3935, 2 bases deleted (AA; older notation c.3934_3935delAA).
Protein change: p.Asn1312fs; shifts the reading frame from asparagine 1312.
Molecular consequence: frameshift variant. On other transcripts: non-coding transcript variant (1), intron variant (2).
Genome position (GRCh38, 1-based): chr13:32,338,289-32,338,290, AA deleted; deleting any 2 consecutive bases within chr13:32,338,287-32,338,290 gives the same sequence; the c. name uses the placement nearest the transcript's 3' end. VCF-style (leftmost placement, unchanged base first): chr13-32338286-GAA-G. GRCh37 (hg19) VCF-style: chr13-32912423-GAA-G.
Other names: c.3934_3935del, p.Asn1312fs (NM_001406719.1, NM_001406720.1); c.1909+4902_1909+4903del (NM_001406721.1); c.425-6269_425-6268del (NM_001406722.1); short protein forms N1312fs.
Identifiers: ClinVar variation 2565961 (VCV002565961.2), dbSNP rs1566229411, ClinGen allele CA2580614670.
Genomic context (GRCh38, chr13:32,338,286, plus strand): 5'-CAACTGATATTACAAAATAATATTGAAATGACTACTGGCACTTTTGTTGAAGAAATTACT[GAA>G]AATTACAAGAGAAATACTGAAAATGAAGATAACAAATATACTGCTGCCAGTAGAAATTCT-3'